The following is an entry in ClinVar:

ClinVar aggregate classification (germline): Uncertain significance (1 of 4 stars; one submission).

gnomAD v4.1: 3 of 1,614,186 alleles (0.00019%); highest among the groups gnomAD compares: South Asian, 0.0033%; no homozygotes.

Submission:

Labcorp Genetics (formerly Invitae), Labcorp
Classification: Uncertain significance. Last evaluated: 2024-03-18. Review status: criteria provided, single submitter. Criteria: Invitae Variant Classification Sherloc (09022015). Collection method: clinical testing. Allele origin: germline.
Comment: This sequence change replaces glutamine, which is neutral and polar, with leucine, which is neutral and non-polar, at codon 132 of the IMPG1 protein (p.Gln132Leu). This variant is not present in population databases (gnomAD no frequency). This variant has not been reported in the literature in individuals affected with IMPG1-related conditions. ClinVar contains an entry for this variant (Variation ID: 1000069). An algorithm developed to predict the effect of missense changes on protein structure and function (PolyPhen-2) suggests that this variant is likely to be disruptive. In summary, the available evidence is currently insufficient to determine the role of this variant in disease. Therefore, it has been classified as a Variant of Uncertain Significance.

NM_001563.4(IMPG1):c.395A>T (p.Gln132Leu)

Gene: IMPG1 (interphotoreceptor matrix proteoglycan 1; minus strand). Cytogenetic location: 6q14.1.
Variant type: single nucleotide variant.
Coding change: c.395A>T on transcript NM_001563.4 (MANE Select); coding-DNA position 395, A replaced by T.
Protein change: p.Gln132Leu; replaces glutamine 132 with leucine.
Molecular consequence: missense variant.
Genome position (GRCh38, 1-based): chr6:76,034,694, T>A on the plus strand (A>T on the coding strand, the complement: IMPG1 is on the minus strand). VCF-style: chr6-76034694-T-A. GRCh37 (hg19) VCF-style: chr6-76744411-T-A.
Other names: c.161A>T, p.Gln54Leu (NM_001282368.2); short protein forms Q132L, Q54L.
Identifiers: ClinVar variation 1000069 (VCV001000069.9), dbSNP rs758568614, ClinGen allele CA364780456.